The following is an entry in ClinVar:

ClinVar aggregate classification (germline): Uncertain significance (1 of 4 stars; one submission).

Submission:

Labcorp Genetics (formerly Invitae), Labcorp
Classification: Uncertain significance. Last evaluated: 2023-08-27. Review status: criteria provided, single submitter. Criteria: Invitae Variant Classification Sherloc (09022015). Collection method: clinical testing. Allele origin: germline.
Comment: In summary, the available evidence is currently insufficient to determine the role of this variant in disease. Therefore, it has been classified as a Variant of Uncertain Significance. Algorithms developed to predict the effect of sequence changes on RNA splicing suggest that this variant may disrupt the consensus splice site. This variant has not been reported in the literature in individuals affected with CFH-related conditions. This variant is not present in population databases (gnomAD no frequency). This sequence change affects codon 65 of the CFH mRNA. It is a 'silent' change, meaning that it does not change the encoded amino acid sequence of the CFH protein.

NM_000186.4(CFH):c.195A>T (p.Val65=)

Gene: CFH (complement factor H; plus strand). Cytogenetic location: 1q31.3.
Variant type: single nucleotide variant.
Coding change: c.195A>T on transcript NM_000186.4 (MANE Select); coding-DNA position 195, A replaced by T.
Protein change: p.Val65=; no amino-acid change (valine 65 retained).
Molecular consequence: synonymous variant.
Genome position (GRCh38, 1-based): chr1:196,673,114, A>T. VCF-style: chr1-196673114-A-T. GRCh37 (hg19) VCF-style: chr1-196642244-A-T.
Other names: c.195A>T, p.Val65= (NM_001014975.3).
Identifiers: ClinVar variation 2754263 (VCV002754263.3), dbSNP rs771886580, ClinGen allele CA422666164.